The following is an entry in ClinVar:

ClinVar aggregate classification (germline): Conflicting classifications of pathogenicity. Review status: criteria provided, conflicting classifications (1 of 4 stars). 6 submissions from 6 submitters: Uncertain significance (5); Likely benign (1). Last evaluated 2024-11-22.

Conditions:
Long QT syndrome (LQTS). Identifiers: MedGen C0023976, MeSH D008133, MONDO:0002442. Disease mechanism: loss of function. Inheritance: Various modes of inheritance.
Cardiac arrhythmia. Also called: Arrhythmia; Cardiac rhythm disease. Identifiers: MedGen C0003811, MONDO:0007263, HP:0011675.

Allele frequency attached by ClinVar (database versions not stated): gnomAD 0.00001; TOPMed 0.00002; ExAC 0.00011.
gnomAD v4.1: 39 of 1,565,388 alleles (0.0025%); highest among the groups gnomAD compares: Middle Eastern, 0.037%; no homozygotes.

Submissions (6):

Blueprint Genetics
Classification: Uncertain significance. Last evaluated: 2024-11-22. Review status: criteria provided, single submitter. Criteria: ACMG Guidelines, 2015. Collection method: clinical testing. Allele origin: germline.

Athena Diagnostics
Classification: Uncertain significance. Last evaluated: 2024-10-15. Review status: criteria provided, single submitter. Criteria: Athena Diagnostics Criteria. Collection method: clinical testing. Allele origin: unknown.
Comment: Available data are insufficient to determine the clinical significance of the variant at this time. The frequency of this variant in the general population is uninformative in assessment of its pathogenicity. Assessment of experimental evidence suggests this variant results in abnormal protein function. (PMID: 23571586, 26772437)

CeGaT Center for Human Genetics Tuebingen
Classification: Uncertain significance. Last evaluated: 2023-10-01. Review status: criteria provided, single submitter. Criteria: CeGaT Center For Human Genetics Tuebingen Variant Classification Criteria Version 2. Collection method: clinical testing. Allele origin: germline. Affected: yes. Observed: 1 variant allele.
Comment: KCNH2: PS4:Moderate, PP3, PS3:Supporting

GeneDx
Classification: Uncertain significance. Last evaluated: 2022-02-14. Review status: criteria provided, single submitter. Criteria: GeneDx Variant Classification Process June 2021. Collection method: clinical testing. Allele origin: germline. Affected: yes.
Comment: Reported in two individuals from an Iranian family with Brugada syndrome; two of the four affected family members did not harbor this variant, but were heterozygous for a variant in the SCN5A gene (Saber et al., 2015); Published functional studies demonstrate impaired trafficking and surface expression (Crotti et al., 2013; Jones et al., 2016); In silico analysis supports that this missense variant has a deleterious effect on protein structure/function; This variant is associated with the following publications: (PMID: 26772437, 23571586, 25626866)

Color Diagnostics, LLC DBA Color Health
Classification: Likely benign for Arrhythmia. Last evaluated: 2018-11-08. Review status: criteria provided, single submitter. Criteria: ACMG Guidelines, 2015. Collection method: clinical testing. Allele origin: germline.

Labcorp Genetics (formerly Invitae), Labcorp
Classification: Uncertain significance for Long QT syndrome. Last evaluated: 2018-11-03. Review status: criteria provided, single submitter. Criteria: Invitae Variant Classification Sherloc (09022015). Collection method: clinical testing. Allele origin: germline.
Comment: This sequence change replaces arginine with tryptophan at codon 25 of the KCNH2 protein (p.Gly25Trp). The arginine residue is weakly conserved and there is a moderate physicochemical difference between arginine and tryptophan. The KCNH2 gene has multiple clinically relevant transcripts. The p.Gly25Trp variant occurs in alternate transcript NM_172057.2, which corresponds to position c.1128+1860C>T in NM_000238.3, the primary transcript listed in the Methods. In summary, the available evidence is currently insufficient to determine the role of this variant in disease. Therefore, it has been classified as a Variant of Uncertain Significance. Experimental studies have shown that this missense change affects protein stability and trafficking, resulting in reduced channel current density (PMID: 23571586, 26772437). This variant has been observed in an intrauterine fetal death (PMID: 23571586) and in combination with a variant in SCN5A in a family with Brugada syndrome (PMID: 25626866). This variant is present in population databases (rs767264288, ExAC 0.02%).

Literature cited by the submitters: PubMed 25626866 (cited by Athena Diagnostics and Labcorp Genetics (formerly Invitae), Labcorp); PubMed 23571586 (cited by Athena Diagnostics and Labcorp Genetics (formerly Invitae), Labcorp); PubMed 26772437 (cited by Athena Diagnostics and Labcorp Genetics (formerly Invitae), Labcorp).

NM_000238.4(KCNH2):c.1128+1860C>T

Gene: KCNH2 (potassium voltage-gated channel subfamily H member 2; minus strand). Cytogenetic location: 7q36.1.
Variant type: single nucleotide variant.
Coding change: c.1128+1860C>T on transcript NM_000238.4 (MANE Select); 1860 bases into the intron after coding-DNA position 1128, C replaced by T.
Molecular consequence: intron variant. On other transcripts: missense variant (2), non-coding transcript variant (1).
Genome position (GRCh38, 1-based): chr7:150,955,431, G>A on the plus strand (C>T on the coding strand, the complement: KCNH2 is on the minus strand). VCF-style: chr7-150955431-G-A. GRCh37 (hg19) VCF-style: chr7-150652519-G-A.
Other names: c.73C>T, p.Arg25Trp (NM_001204798.2, NM_172057.3); c.840+1860C>T (NM_001406753.1, NM_001406756.1); c.1128+1860C>T (NM_172056.3); c.951+1860C>T (NM_001406755.1); c.828+1860C>T (NM_001406757.1); short protein forms R25W.
Identifiers: ClinVar variation 661053 (VCV000661053.40), dbSNP rs767264288, ClinGen allele CA027010.